The following is an entry in ClinVar:

NM_001286577.2(C2CD3):c.3535del (p.Gly1178_Leu1179insTer)

Gene: C2CD3 (C2 domain containing 3 centriole elongation regulator; minus strand). Cytogenetic location: 11q13.4.
Variant type: Deletion.
Coding change: c.3535del on transcript NM_001286577.2 (MANE Select); coding-DNA position 3535, one base deleted (C; older notation c.3535delC).
Protein change: p.Gly1178_Leu1179insTer.
Molecular consequence: nonsense.
Genome position (GRCh38, 1-based): chr11:74,090,919, G deleted on the plus strand (C on the coding strand, the reverse complement: C2CD3 is on the minus strand); the first of 2 consecutive G bases (chr11:74,090,919-74,090,920); deleting either gives the same sequence. VCF-style (leftmost placement, unchanged base first): chr11-74090918-AG-A. GRCh37 (hg19) VCF-style: chr11-73801963-AG-A.
Other names: c.3535del, p.Gly1178_Leu1179insTer (NM_015531.6).
Identifiers: ClinVar variation 2802669 (VCV002802669.3), dbSNP rs2496403626, ClinGen allele CA2739270684.

ClinVar aggregate classification (germline): Pathogenic (1 of 4 stars; one submission).

Submission:

Labcorp Genetics (formerly Invitae), Labcorp
Classification: Pathogenic. Last evaluated: 2022-10-31. Review status: criteria provided, single submitter. Criteria: Invitae Variant Classification Sherloc (09022015). Collection method: clinical testing. Allele origin: germline.
Comment: For these reasons, this variant has been classified as Pathogenic. This variant has not been reported in the literature in individuals affected with C2CD3-related conditions. This variant is not present in population databases (gnomAD no frequency). This sequence change creates a premature translational stop signal (p.Leu1179*) in the C2CD3 gene. It is expected to result in an absent or disrupted protein product. Loss-of-function variants in C2CD3 are known to be pathogenic (PMID: 24997988, 26477546).

Literature cited by the submitters: PubMed 24997988; PubMed 26477546.